The following is an entry in ClinVar:

ClinVar aggregate classification (germline): Uncertain significance. Review status: criteria provided, multiple submitters, no conflicts (2 of 4 stars). 2 submissions from 2 submitters: Uncertain significance (2). Last evaluated 2024-04-25.

Conditions:
Neuromuscular disease caused by qualitative or quantitative defects of dysferlin. Also called: Dysferlinopathy; Qualitative or quantitative defects of dysferlin. Identifiers: Orphanet 207073, MedGen C2931687, MONDO:0016145.
Miyoshi muscular dystrophy 1 (MMD1). Identifiers: Orphanet 45448, MedGen C4551973, MONDO:0024545, OMIM 254130.
Autosomal recessive limb-girdle muscular dystrophy type 2B (LGMDR2). Also called: MUSCULAR DYSTROPHY, LIMB-GIRDLE, TYPE 3; Limb-girdle muscular dystrophy, type 2B; MUSCULAR DYSTROPHY, LIMB-GIRDLE, AUTOSOMAL RECESSIVE 2; Limb-Girdle Muscular Dystrophy Type 2B (LGMD2B). Identifiers: Orphanet 268, MedGen C1850889, MONDO:0009676, OMIM 253601.
Distal myopathy with anterior tibial onset. Identifiers: Orphanet 178400, MedGen C1847532, MONDO:0011721, OMIM 606768.

Submissions (2):

Labcorp Genetics (formerly Invitae), Labcorp
Classification: Uncertain significance for Neuromuscular disease caused by qualitative or quantitative defects of dysferlin. Last evaluated: 2024-04-25. Review status: criteria provided, single submitter. Criteria: Invitae Variant Classification Sherloc (09022015). Collection method: clinical testing. Allele origin: germline.
Comment: This sequence change replaces alanine, which is neutral and non-polar, with glycine, which is neutral and non-polar, at codon 1880 of the DYSF protein (p.Ala1880Gly). This variant is not present in population databases (gnomAD no frequency). This missense change has been observed in individual(s) with DYSF-related conditions (PMID: 27647186, 34559919). Advanced modeling of protein sequence and biophysical properties (such as structural, functional, and spatial information, amino acid conservation, physicochemical variation, residue mobility, and thermodynamic stability) has been performed at Invitae for this missense variant, however the output from this modeling did not meet the statistical confidence thresholds required to predict the impact of this variant on DYSF protein function. Algorithms developed to predict the effect of sequence changes on RNA splicing suggest that this variant may disrupt the consensus splice site. In summary, the available evidence is currently insufficient to determine the role of this variant in disease. Therefore, it has been classified as a Variant of Uncertain Significance.

Juno Genomics, Hangzhou Juno Genomics, Inc
Classification: Uncertain significance for Miyoshi muscular dystrophy 1; Autosomal recessive limb-girdle muscular dystrophy type 2B; Distal myopathy with anterior tibial onset. Review status: criteria provided, single submitter. Criteria: ACMG Guidelines, 2015. Collection method: clinical testing. Allele origin: germline. Affected: yes.
Comment: Absent from controls (or at extremely low frequency if recessive) in Genome Aggregation Database.;Multiple lines of computational evidence support a deleterious effect on the gene or gene product.;For recessive disorders, detected in trans with a pathogenic variant.;Patient's phenotype or family history is highly specific for a disease with a single genetic etiology.

Literature cited by the submitters: PubMed 27647186 (cited by Labcorp Genetics (formerly Invitae), Labcorp); PubMed 34559919 (cited by Labcorp Genetics (formerly Invitae), Labcorp).

NM_001130987.2(DYSF):c.5756C>G (p.Ala1919Gly)

Gene: DYSF (dysferlin; plus strand). Cytogenetic location: 2p13.2.
Variant type: single nucleotide variant.
Coding change: c.5756C>G on transcript NM_001130987.2 (MANE Select); coding-DNA position 5756, C replaced by G.
Protein change: p.Ala1919Gly; replaces alanine 1919 with glycine.
Molecular consequence: missense variant.
Genome position (GRCh38, 1-based): chr2:71,669,718, C>G. VCF-style: chr2-71669718-C-G. GRCh37 (hg19) VCF-style: chr2-71896848-C-G.
Other names: c.5642C>G, p.Ala1881Gly (NM_001130455.2); c.5597C>G, p.Ala1866Gly (NM_001130976.2); c.5660C>G, p.Ala1887Gly (NM_001130977.2); c.5702C>G, p.Ala1901Gly (NM_001130978.2); c.5732C>G, p.Ala1911Gly (NM_001130979.2); c.5690C>G, p.Ala1897Gly (NM_001130980.2); c.5753C>G, p.Ala1918Gly (NM_001130981.2); c.5735C>G, p.Ala1912Gly (NM_001130982.2); and 5 more; short protein forms A1880G, A1897G, A1901G, A1918G, A1919G, A1866G, A1888G, A1887G.
Identifiers: ClinVar variation 2734220 (VCV002734220.4), dbSNP rs750628055, ClinGen allele CA347224048.